The following is an entry in ClinVar:

NM_001110556.2(FLNA):c.6644A>G (p.Lys2215Arg)

Gene: FLNA (filamin A; minus strand). Cytogenetic location: Xq28.
Variant type: single nucleotide variant.
Coding change: c.6644A>G on transcript NM_001110556.2 (MANE Select); coding-DNA position 6644, A replaced by G.
Protein change: p.Lys2215Arg; replaces lysine 2215 with arginine.
Molecular consequence: missense variant.
Genome position (GRCh38, 1-based): chrX:154,352,306, T>C on the plus strand (A>G on the coding strand, the complement: FLNA is on the minus strand). VCF-style: chrX-154352306-T-C. GRCh37 (hg19) VCF-style: chrX-153580674-T-C.
Other names: c.6620A>G, p.Lys2207Arg (NM_001456.4); short protein forms K2207R, K2215R.
Identifiers: ClinVar variation 2946139 (VCV002946139.3), dbSNP rs2522720572, ClinGen allele CA415190349.

ClinVar aggregate classification (germline): Uncertain significance (1 of 4 stars; one submission).

Conditions:
Oto-palato-digital syndrome, type II (OPD2). Also called: FACIOPALATOOSSEOUS SYNDROME; OPD II SYNDROME; Otopalatodigital Syndrome, Type II; Otopalatodigital Syndrome Type 2 (FLNA-OPD2). Identifiers: Orphanet 669, Orphanet 90652, MedGen C1844696, MONDO:0010571, OMIM 304120.
Heterotopia, periventricular, X-linked dominant (PVNH1). Also called: PERIVENTRICULAR NODULAR HETEROTOPIA 1; X-linked periventricular heterotopia; PERIVENTRICULAR NODULAR HETEROTOPIA 4; HETEROTOPIA, PERIVENTRICULAR, 1. Identifiers: Orphanet 2149, Orphanet 82004, MedGen C1848213, MONDO:0010233, OMIM 300049.
Frontometaphyseal dysplasia (FMD1). Identifiers: Orphanet 1826, MedGen C0265293, MONDO:0015942.
Melnick-Needles syndrome (MNS). Also called: MELNICK-NEEDLES OSTEODYSPLASTY; OSTEODYSPLASTY OF MELNICK AND NEEDLES; Melnick-Needles Syndrome (FLNA-MNS). Identifiers: Orphanet 2484, MedGen C0025237, MONDO:0010650, OMIM 309350.

Submission:

Labcorp Genetics (formerly Invitae), Labcorp
Classification: Uncertain significance for Oto-palato-digital syndrome, type II; Heterotopia, periventricular, X-linked dominant; Frontometaphyseal dysplasia; Melnick-Needles syndrome. Last evaluated: 2023-04-04. Review status: criteria provided, single submitter. Criteria: Invitae Variant Classification Sherloc (09022015). Collection method: clinical testing. Allele origin: germline.
Comment: Algorithms developed to predict the effect of sequence changes on RNA splicing suggest that this variant may create or strengthen a splice site. In summary, the available evidence is currently insufficient to determine the role of this variant in disease. Therefore, it has been classified as a Variant of Uncertain Significance. Advanced modeling of protein sequence and biophysical properties (such as structural, functional, and spatial information, amino acid conservation, physicochemical variation, residue mobility, and thermodynamic stability) performed at Invitae indicates that this missense variant is not expected to disrupt FLNA protein function. This variant has not been reported in the literature in individuals affected with FLNA-related conditions. This variant is not present in population databases (gnomAD no frequency). This sequence change replaces lysine, which is basic and polar, with arginine, which is basic and polar, at codon 2207 of the FLNA protein (p.Lys2207Arg).